The following is an entry in ClinVar:

ClinVar aggregate classification (germline): Uncertain significance (1 of 4 stars; one submission).

Allele frequency attached by ClinVar (database versions not stated): TOPMed 0.00001.

Submission:

Labcorp Genetics (formerly Invitae), Labcorp
Classification: Uncertain significance. Last evaluated: 2025-05-12. Review status: criteria provided, single submitter. Criteria: Invitae Variant Classification Sherloc (09022015). Collection method: clinical testing. Allele origin: germline.
Comment: This sequence change replaces serine, which is neutral and polar, with threonine, which is neutral and polar, at codon 2021 of the CHD8 protein (p.Ser2021Thr). This variant is not present in population databases (gnomAD no frequency). This variant has not been reported in the literature in individuals affected with CHD8-related conditions. ClinVar contains an entry for this variant (Variation ID: 2115055). Invitae Evidence Modeling of protein sequence and biophysical properties (such as structural, functional, and spatial information, amino acid conservation, physicochemical variation, residue mobility, and thermodynamic stability) indicates that this missense variant is not expected to disrupt CHD8 protein function with a negative predictive value of 95%. In summary, the available evidence is currently insufficient to determine the role of this variant in disease. Therefore, it has been classified as a Variant of Uncertain Significance.

NM_001170629.2(CHD8):c.6062G>C (p.Ser2021Thr)

Gene: CHD8 (chromodomain helicase DNA binding protein 8; minus strand). Cytogenetic location: 14q11.2.
Variant type: single nucleotide variant.
Coding change: c.6062G>C on transcript NM_001170629.2 (MANE Select); coding-DNA position 6062, G replaced by C.
Protein change: p.Ser2021Thr; replaces serine 2021 with threonine.
Molecular consequence: missense variant.
Genome position (GRCh38, 1-based): chr14:21,393,733, C>G on the plus strand (G>C on the coding strand, the complement: CHD8 is on the minus strand). VCF-style: chr14-21393733-C-G. GRCh37 (hg19) VCF-style: chr14-21861892-C-G.
Other names: c.5225G>C, p.Ser1742Thr (NM_020920.4); short protein forms S1742T, S2021T.
Identifiers: ClinVar variation 2115055 (VCV002115055.4), dbSNP rs752237605, ClinGen allele CA388880491.